The following is an entry in ClinVar:

NM_020831.6(MRTFA):c.2052C>T (p.Cys684=)

Gene: MRTFA (myocardin related transcription factor A; minus strand). Cytogenetic location: 22q13.1.
Variant type: single nucleotide variant.
Coding change: c.2052C>T on transcript NM_020831.6 (MANE Select); coding-DNA position 2052, C replaced by T.
Protein change: p.Cys684=; no amino-acid change (cysteine 684 retained).
Molecular consequence: synonymous variant.
Genome position (GRCh38, 1-based): chr22:40,418,686, G>A on the plus strand (C>T on the coding strand, the complement: MRTFA is on the minus strand). VCF-style: chr22-40418686-G-A. GRCh37 (hg19) VCF-style: chr22-40814690-G-A.
Other names: c.1752C>T, p.Cys584= (NM_001282660.2); c.1902C>T, p.Cys634= (NM_001282661.3); c.2052C>T, p.Cys684= (NM_001282662.3); c.1857C>T, p.Cys619= (NM_001318139.2); c.1752C>T (NM_020831.4).
Identifiers: ClinVar variation 2418135 (VCV002418135.10), dbSNP rs755170322, ClinGen allele CA10249459.

ClinVar aggregate classification (germline): Likely benign. Review status: criteria provided, multiple submitters, no conflicts (2 of 4 stars). 3 submissions from 3 submitters: Likely benign (2). 1 of the submissions does not count toward it. Last evaluated 2025-11-23.

Conditions:
MRTFA-related disorder. Also called: MRTFA-related condition.

Allele frequency attached by ClinVar (database versions not stated): ExAC 0.00003; TOPMed 0.00004; gnomAD 0.00005; gnomAD exomes 0.00007.
gnomAD v4.1: 99 of 1,399,928 alleles (0.0071%); highest among the groups gnomAD compares: Non-Finnish European, 0.0086%; no homozygotes.

Submissions (3):

Labcorp Genetics (formerly Invitae), Labcorp
Classification: Likely benign. Last evaluated: 2025-11-23. Review status: criteria provided, single submitter. Criteria: Invitae Variant Classification Sherloc (09022015). Collection method: clinical testing. Allele origin: germline.

Blueprint Genetics
Classification: Likely benign. Last evaluated: 2021-11-17. Review status: criteria provided, single submitter. Criteria: ACMG Guidelines, 2015. Collection method: clinical testing. Allele origin: germline.

PreventionGenetics, part of Exact Sciences
Classification: Likely benign for MRTFA-related condition. Last evaluated: 2019-06-24. Review status: no assertion criteria provided. Collection method: clinical testing. Allele origin: germline. Not counted in ClinVar's aggregate classification.
Comment: This variant is classified as likely benign based on ACMG/AMP sequence variant interpretation guidelines (Richards et al. 2015 PMID: 25741868, with internal and published modifications).